The following is an entry in ClinVar:

ClinVar aggregate classification (germline): Likely benign. Review status: criteria provided, multiple submitters, no conflicts (2 of 4 stars). 3 submissions from 3 submitters: Likely benign (2). 1 of the submissions does not count toward it. Last evaluated 2018-06-14.

Conditions:
Tuberous sclerosis syndrome (TSC). Also called: Tuberous Sclerosis Complex; Tuberous sclerosis. Identifiers: Orphanet 805, MedGen C0041341, MONDO:0001734.

Allele frequency attached by ClinVar (database versions not stated): ExAC 0.00924; gnomAD exomes 0.00932 and 0.00911; 1000 Genomes Project 30x 0.00671; 1000 Genomes Project 0.00679; TOPMed 0.00736; gnomAD 0.00754 and 0.00785.
gnomAD v4.1: 14,487 of 1,568,486 alleles (0.92%); highest among the groups gnomAD compares: South Asian, 1.9%; 114 homozygotes.

Submissions (3):

GeneDx
Classification: Likely benign. Last evaluated: 2018-06-14. Review status: criteria provided, single submitter. Criteria: GeneDx Variant Classification (06012015). Collection method: clinical testing. Allele origin: germline. Affected: yes.
Comment: This variant is considered likely benign or benign based on one or more of the following criteria: it is a conservative change, it occurs at a poorly conserved position in the protein, it is predicted to be benign by multiple in silico algorithms, and/or has population frequency not consistent with disease.

Breakthrough Genomics
Classification: Likely benign. Review status: criteria provided, single submitter. Criteria: ACMG Guidelines, 2015. Collection method: not provided. Allele origin: germline. Inheritance: Autosomal dominant inheritance. Affected: yes.

Tuberous sclerosis database (TSC2)
No classification provided. Condition: TSC. Review status: no classification provided. Criteria: Tuberous Sclerosis Database Assertion Criteria 2015. Collection method: curation. Allele origin: germline. Affected: yes. Not counted in ClinVar's aggregate classification.

NM_000548.5(TSC2):c.600-84C>T

Gene: TSC2 (TSC complex subunit 2; plus strand). Cytogenetic location: 16p13.3.
Variant type: single nucleotide variant.
Coding change: c.600-84C>T on transcript NM_000548.5 (MANE Select); 84 bases into the intron before coding-DNA position 600, C replaced by T.
Molecular consequence: intron variant.
Genome position (GRCh38, 1-based): chr16:2,056,112, C>T. VCF-style: chr16-2056112-C-T. GRCh37 (hg19) VCF-style: chr16-2106113-C-T.
Other names: c.600-84C>T (NM_001114382.3, NM_021055.3, NM_001370405.1 and 3 more transcripts); c.489-84C>T (NM_001318827.2); c.-1-84C>T (NM_001318831.2); c.453-84C>T (NM_001318829.2); c.633-84C>T (NM_001318832.2).
Identifiers: ClinVar variation 49409 (VCV000049409.3), dbSNP rs35364892, ClinGen allele CA022677.
Genomic context (GRCh38, chr16:2,056,112, plus strand): 5'-ACCTGAGTGCTTGTTGGGTGGGTGGGACCCCCAGGGAGGATGAGCCATGCGTGTTATTGA[C>T]GTCATAGAGTGACTAGACCACAGCCCGTGGTGGCTCGGCCATCCAGGCAGTGCTGCCGGG-3'